The following is an entry in ClinVar:

ClinVar aggregate classification (germline): Uncertain significance (1 of 4 stars; one submission).

Conditions:
Birt-Hogg-Dube syndrome. Also called: Birt Hogg Dubé syndrome. Identifiers: Orphanet 122, MedGen C0346010, MONDO:0800444.

Submission:

Labcorp Genetics (formerly Invitae), Labcorp
Classification: Uncertain significance for Birt-Hogg-Dube syndrome. Last evaluated: 2021-11-17. Review status: criteria provided, single submitter. Criteria: Invitae Variant Classification Sherloc (09022015). Collection method: clinical testing. Allele origin: germline.
Comment: In summary, the available evidence is currently insufficient to determine the role of this variant in disease. Therefore, it has been classified as a Variant of Uncertain Significance. Algorithms developed to predict the effect of missense changes on protein structure and function are either unavailable or do not agree on the potential impact of this missense change (SIFT: "Deleterious"; PolyPhen-2: "Probably Damaging"; Align-GVGD: "Class C0"). This variant has not been reported in the literature in individuals affected with FLCN-related conditions. This variant is not present in population databases (gnomAD no frequency). This sequence change replaces glutamic acid, which is acidic and polar, with glutamine, which is neutral and polar, at codon 271 of the FLCN protein (p.Glu271Gln).

NM_144997.7(FLCN):c.811G>C (p.Glu271Gln)

Gene: FLCN (folliculin; minus strand). Cytogenetic location: 17p11.2.
Variant type: single nucleotide variant.
Coding change: c.811G>C on transcript NM_144997.7 (MANE Select); coding-DNA position 811, G replaced by C.
Protein change: p.Glu271Gln; replaces glutamic acid 271 with glutamine.
Molecular consequence: missense variant.
Genome position (GRCh38, 1-based): chr17:17,221,597, C>G on the plus strand (G>C on the coding strand, the complement: FLCN is on the minus strand). VCF-style: chr17-17221597-C-G. GRCh37 (hg19) VCF-style: chr17-17124911-C-G.
Other names: c.865G>C, p.Glu289Gln (NM_001353229.2); c.811G>C, p.Glu271Gln (NM_001353230.2, NM_001353231.2, NM_144606.7); short protein forms E271Q, E289Q.
Identifiers: ClinVar variation 1393797 (VCV001393797.6), dbSNP rs2047091792, ClinGen allele CA398533742.